The following is an entry in ClinVar:

ClinVar aggregate classification (germline): Likely benign. Review status: criteria provided, multiple submitters, no conflicts (2 of 4 stars). 2 submissions from 2 submitters: Likely benign (2). Last evaluated 2026-01-19.

Conditions:
FAM161A-related disorder. Also called: FAM161A-related condition.

Allele frequency attached by ClinVar (database versions not stated): TOPMed 0.00004.
gnomAD v4.1: 31 of 1,614,014 alleles (0.0019%); highest among the groups gnomAD compares: Admixed American, 0.027%; no homozygotes.

Submissions (2):

Labcorp Genetics (formerly Invitae), Labcorp
Classification: Likely benign. Last evaluated: 2026-01-19. Review status: criteria provided, single submitter. Criteria: Invitae Variant Classification Sherloc (09022015). Collection method: clinical testing. Allele origin: germline.

PreventionGenetics, part of Exact Sciences
Classification: Likely benign for FAM161A-related condition. Last evaluated: 2025-08-25. Review status: criteria provided, single submitter. Criteria: ACMG Guidelines, 2015. Collection method: clinical testing. Allele origin: germline.
Comment: This variant is classified as likely benign based on ACMG/AMP sequence variant interpretation guidelines (Richards et al. 2015 PMID: 25741868, with internal and published modifications).

NM_001201543.2(FAM161A):c.1542C>T (p.Pro514=)

Gene: FAM161A (FAM161 centrosomal protein A; minus strand). Cytogenetic location: 2p15.
Variant type: single nucleotide variant.
Coding change: c.1542C>T on transcript NM_001201543.2 (MANE Select); coding-DNA position 1542, C replaced by T.
Protein change: p.Pro514=; no amino-acid change (proline 514 retained).
Molecular consequence: synonymous variant. On other transcripts: non-coding transcript variant (1).
Genome position (GRCh38, 1-based): chr2:61,839,462, G>A on the plus strand (C>T on the coding strand, the complement: FAM161A is on the minus strand). VCF-style: chr2-61839462-G-A. GRCh37 (hg19) VCF-style: chr2-62066597-G-A.
Other names: c.1542C>T, p.Pro514= (NM_032180.3).
Identifiers: ClinVar variation 745363 (VCV000745363.11), dbSNP rs539389330, ClinGen allele CA1679132.